The following is an entry in ClinVar:

ClinVar aggregate classification (germline): Likely benign (1 of 4 stars; one submission).

Allele frequency attached by ClinVar (database versions not stated): gnomAD 0.00001; gnomAD exomes 0.00001; TOPMed 0.00002; ExAC 0.00003.
gnomAD v4.1: 22 of 1,612,538 alleles (0.0014%); highest among the groups gnomAD compares: Non-Finnish European, 0.0018%; no homozygotes.

Submission:

CeGaT Center for Human Genetics Tuebingen
Classification: Likely benign. Last evaluated: 2023-01-01. Review status: criteria provided, single submitter. Criteria: CeGaT Center For Human Genetics Tuebingen Variant Classification Criteria Version 2. Collection method: clinical testing. Allele origin: germline. Affected: yes. Observed: 1 variant allele.
Comment: AP5B1: BP4, BP7

NM_138368.5(AP5B1):c.1518C>T (p.Asp506=)

Gene: AP5B1 (adaptor related protein complex 5 subunit beta 1; minus strand). Cytogenetic location: 11q13.1.
Variant type: single nucleotide variant.
Coding change: c.1518C>T on transcript NM_138368.5 (MANE Select); coding-DNA position 1518, C replaced by T.
Protein change: p.Asp506=; no amino-acid change (aspartic acid 506 retained).
Molecular consequence: synonymous variant.
Genome position (GRCh38, 1-based): chr11:65,778,975, G>A on the plus strand (C>T on the coding strand, the complement: AP5B1 is on the minus strand). VCF-style: chr11-65778975-G-A. GRCh37 (hg19) VCF-style: chr11-65546446-G-A.
Identifiers: ClinVar variation 2641970 (VCV002641970.24), dbSNP rs778954460, ClinGen allele CA6108164.
Genomic context (GRCh38, chr11:65,778,975, plus strand): 5'-CACCTGCCGCAACACCACCTTCAGGGGCTCCCTCAGCTCAGAGTCCACCTGATCCAAGAG[G>A]TCCACAAAGTGGGGAGCCAGCATGGGCCGGGCTTGGTACAGCTGGGCCAGTCCGTGGATC-3'
Protein context (NP_612377.4, residues 496-516): ARPMLAPHFV[Asp506=]LLDQVDSELR